The following is an entry in ClinVar:

ClinVar aggregate classification (germline): Uncertain significance (1 of 4 stars; one submission).

Conditions:
USP53-related disorder. Also called: USP53-related condition.

gnomAD v4.1: 1 of 1,614,138 alleles (0.000062%); highest among the groups gnomAD compares: Non-Finnish European, 0.000085%; no homozygotes.

Submission:

PreventionGenetics, part of Exact Sciences
Classification: Uncertain significance for USP53-related condition. Last evaluated: 2026-03-12. Review status: criteria provided, single submitter. Criteria: ACMG Guidelines, 2015. Collection method: clinical testing. Allele origin: germline.
Comment: The USP53 c.553T>C variant is predicted to result in the amino acid substitution p.Ser185Pro. To our knowledge, this variant has not been reported in the literature or in a large population database (gnomAD), indicating this variant is rare. At this time, the clinical significance of this variant is uncertain due to the absence of conclusive functional and genetic evidence.

NM_001371395.1(USP53):c.553T>C (p.Ser185Pro)

Gene: USP53 (ubiquitin specific peptidase 53; plus strand). Cytogenetic location: 4q26.
Variant type: single nucleotide variant.
Coding change: c.553T>C on transcript NM_001371395.1 (MANE Select); coding-DNA position 553, T replaced by C.
Protein change: p.Ser185Pro; replaces serine 185 with proline.
Molecular consequence: missense variant.
Genome position (GRCh38, 1-based): chr4:119,256,507, T>C. VCF-style: chr4-119256507-T-C. GRCh37 (hg19) VCF-style: chr4-120177662-T-C.
Other names: c.553T>C, p.Ser185Pro (NM_001371396.1, NM_001371397.1, NM_001371398.1 and 6 more transcripts); c.205T>C, p.Ser69Pro (NM_001389662.1, NM_001389663.1, NM_001389664.1 and 3 more transcripts); short protein forms S69P, S185P.
Identifiers: ClinVar variation 4993842 (VCV004993842.1).